The following is an entry in ClinVar:

NM_000065.5(C6):c.2273C>T (p.Ser758Phe)

Gene: C6 (complement C6; minus strand). Cytogenetic location: 5p13.1.
Variant type: single nucleotide variant.
Coding change: c.2273C>T on transcript NM_000065.5 (MANE Select); coding-DNA position 2273, C replaced by T.
Protein change: p.Ser758Phe; replaces serine 758 with phenylalanine.
Molecular consequence: missense variant.
Genome position (GRCh38, 1-based): chr5:41,153,827, G>A on the plus strand (C>T on the coding strand, the complement: C6 is on the minus strand). VCF-style: chr5-41153827-G-A. GRCh37 (hg19) VCF-style: chr5-41153929-G-A.
Other names: c.2273C>T (NM_000065.2, NM_000065.3); c.2273C>T, p.Ser758Phe (NM_001115131.4); short protein forms S758F.
Identifiers: ClinVar variation 1063493 (VCV001063493.7), dbSNP rs774726786, ClinGen allele CA3252177.

ClinVar aggregate classification (germline): Uncertain significance. Review status: criteria provided, multiple submitters, no conflicts (2 of 4 stars). 2 submissions from 2 submitters: Uncertain significance (2). Last evaluated 2025-09-09.

Conditions:
Inborn genetic diseases. Identifiers: MedGen C0950123, MeSH D030342.
Complement component 6 deficiency (C6D). Also called: C6 DEFICIENCY. Identifiers: MedGen C2676232, MONDO:0012908, OMIM 612446.

Allele frequency attached by ClinVar (database versions not stated): ExAC 0.00001; gnomAD exomes 0.00001 and 0.00002; gnomAD 0.00005; TOPMed 0.00006.
gnomAD v4.1: 27 of 1,612,922 alleles (0.0017%); highest among the groups gnomAD compares: Non-Finnish European, 0.0023%; no homozygotes.

Submissions (2):

Ambry Genetics
Classification: Uncertain significance for Inborn genetic diseases. Last evaluated: 2025-09-09. Review status: criteria provided, single submitter. Criteria: Ambry Variant Classification Scheme 2023. Collection method: clinical testing. Allele origin: germline.

Labcorp Genetics (formerly Invitae), Labcorp
Classification: Uncertain significance. Last evaluated: 2025-07-09. Review status: criteria provided, single submitter. Criteria: Invitae Variant Classification Sherloc (09022015). Collection method: clinical testing. Allele origin: germline.
Comment: This sequence change replaces serine, which is neutral and polar, with phenylalanine, which is neutral and non-polar, at codon 758 of the C6 protein (p.Ser758Phe). This variant is present in population databases (rs774726786, gnomAD 0.004%). This variant has not been reported in the literature in individuals affected with C6-related conditions. ClinVar contains an entry for this variant (Variation ID: 1063493). An algorithm developed to predict the effect of missense changes on protein structure and function (PolyPhen-2) suggests that this variant is likely to be disruptive. In summary, the available evidence is currently insufficient to determine the role of this variant in disease. Therefore, it has been classified as a Variant of Uncertain Significance.